The following is an entry in ClinVar:

NM_000051.4(ATM):c.3517T>G (p.Leu1173Val)

Gene: ATM (ATM serine/threonine kinase; plus strand). Cytogenetic location: 11q22.3.
Variant type: single nucleotide variant.
Coding change: c.3517T>G on transcript NM_000051.4 (MANE Select); coding-DNA position 3517, T replaced by G.
Protein change: p.Leu1173Val; replaces leucine 1173 with valine.
Molecular consequence: missense variant.
Genome position (GRCh38, 1-based): chr11:108,281,109, T>G. VCF-style: chr11-108281109-T-G. GRCh37 (hg19) VCF-style: chr11-108151836-T-G.
Other names: c.3517T>G, p.Leu1173Val (NM_001351834.2); short protein forms L1173V.
Identifiers: ClinVar variation 579374 (VCV000579374.7), dbSNP rs141460670, ClinGen allele CA382519965.

ClinVar aggregate classification (germline): Uncertain significance. Review status: criteria provided, multiple submitters, no conflicts (2 of 4 stars). 2 submissions from 2 submitters: Uncertain significance (2). Last evaluated 2026-04-04.

Conditions:
Hereditary cancer-predisposing syndrome. Also called: Tumor predisposition; Hereditary Cancer Syndrome; Neoplastic Syndromes, Hereditary; Hereditary neoplastic syndrome. Identifiers: Orphanet 140162, MedGen C0027672, MeSH D009386, MONDO:0015356.
Ataxia-telangiectasia syndrome (AT). Also called: LOUIS-BAR SYNDROME; Ataxia-telangiectasia, complementation group E; Cerebello-oculocutaneous telangiectasia; Immunodeficiency with ataxia telangiectasia; Ataxia-telangiectasia, complementation group D; AT, COMPLEMENTATION GROUP C. Identifiers: Orphanet 100, MedGen C0004135, MONDO:0008840, OMIM 208900.

gnomAD v4.1: 2 of 1,614,060 alleles (0.00012%); highest among the groups gnomAD compares: Non-Finnish European, 0.00017%; no homozygotes.

Submissions (2):

Ambry Genetics
Classification: Uncertain significance for Hereditary cancer-predisposing syndrome. Last evaluated: 2026-04-04. Review status: criteria provided, single submitter. Criteria: Ambry Variant Classification Scheme 2023. Collection method: clinical testing. Allele origin: germline.
Comment: The p.L1173V variant (also known as c.3517T>G), located in coding exon 23 of the ATM gene, results from a T to G substitution at nucleotide position 3517. The leucine at codon 1173 is replaced by valine, an amino acid with highly similar properties. This amino acid position is conserved. In addition, the in silico prediction for this alteration is inconclusive. Based on the available evidence, the clinical significance of this variant remains unclear.

Labcorp Genetics (formerly Invitae), Labcorp
Classification: Uncertain significance for Ataxia-telangiectasia syndrome. Last evaluated: 2025-11-02. Review status: criteria provided, single submitter. Criteria: Invitae Variant Classification Sherloc (09022015). Collection method: clinical testing. Allele origin: germline.
Comment: This sequence change replaces leucine, which is neutral and non-polar, with valine, which is neutral and non-polar, at codon 1173 of the ATM protein (p.Leu1173Val). This variant is present in population databases (no rsID available, gnomAD 0.0009%). This variant has not been reported in the literature in individuals affected with ATM-related conditions. ClinVar contains an entry for this variant (Variation ID: 579374). Invitae Evidence Modeling of protein sequence and biophysical properties (such as structural, functional, and spatial information, amino acid conservation, physicochemical variation, residue mobility, and thermodynamic stability) indicates that this missense variant is not expected to disrupt ATM protein function with a negative predictive value of 95%. In summary, the available evidence is currently insufficient to determine the role of this variant in disease. Therefore, it has been classified as a Variant of Uncertain Significance.